The following is an entry in ClinVar:

ClinVar aggregate classification (germline): Uncertain significance (1 of 4 stars; one submission).

gnomAD v4.1: 1 of 1,614,198 alleles (0.000062%); highest among the groups gnomAD compares: Admixed American, 0.0017%; no homozygotes.

Submission:

GeneDx
Classification: Uncertain significance. Last evaluated: 2025-03-18. Review status: criteria provided, single submitter. Criteria: GeneDx Variant Classification Process June 2021. Collection method: clinical testing. Allele origin: germline. Affected: yes.
Comment: Not observed at significant frequency in large population cohorts (gnomAD); In silico analysis indicates that this missense variant does not alter protein structure/function; Has not been previously published as pathogenic or benign to our knowledge

NM_003906.5(MCM3AP):c.1006A>G (p.Thr336Ala)

Gene: MCM3AP (minichromosome maintenance complex component 3 associated protein; minus strand). Cytogenetic location: 21q22.3.
Variant type: single nucleotide variant.
Coding change: c.1006A>G on transcript NM_003906.5 (MANE Select); coding-DNA position 1006, A replaced by G.
Protein change: p.Thr336Ala; replaces threonine 336 with alanine.
Molecular consequence: missense variant.
Genome position (GRCh38, 1-based): chr21:46,284,281, T>C on the plus strand (A>G on the coding strand, the complement: MCM3AP is on the minus strand). VCF-style: chr21-46284281-T-C. GRCh37 (hg19) VCF-style: chr21-47704195-T-C.
Other names: short protein forms T336A.
Identifiers: ClinVar variation 4086302 (VCV004086302.1).
Genomic context (GRCh38, chr21:46,284,281, plus strand): 5'-CCAGACGACCTACTTCCTTATTGCTTTTGAAAACATCCTGTATCGTCCGACCAAATAAAG[T>C]ACCTCCCCGGGGTCGATTCAGGCGGACAGGTCGTTTGTCTGGAGGATGATCGCCCCGGGA-3'
Protein context (NP_003897.2, residues 326-346): PVRLNRPRGG[Thr336Ala]LFGRTIQDVF